The following is an entry in ClinVar:

ClinVar aggregate classification (germline): Pathogenic (1 of 4 stars; one submission).

Submission:

Labcorp Genetics (formerly Invitae), Labcorp
Classification: Pathogenic. Last evaluated: 2022-05-25. Review status: criteria provided, single submitter. Criteria: Invitae Variant Classification Sherloc (09022015). Collection method: clinical testing. Allele origin: germline.
Comment: A gross deletion of the genomic region encompassing the full coding sequence of the UNC80 gene has been identified. Loss-of-function variants in UNC80 are known to be pathogenic (PMID: 26545877, 26708751, 26708753). The boundaries of this event are unknown as they extend beyond the assayed region for this gene and therefore may encompass additional genes. This variant has not been reported in the literature in individuals affected with UNC80-related conditions. For these reasons, this variant has been classified as Pathogenic.

Literature cited by the submitters: PubMed 26545877; PubMed 26708751; PubMed 26708753.

NC_000002.11:g.(?_210636797)_(213403254_?)del

Genes: KANSL1L (KAT8 regulatory NSL complex subunit 1 like; minus strand), ACADL (acyl-CoA dehydrogenase long chain; minus strand), CPS1 (carbamoyl-phosphate synthase 1; plus strand), ERBB4 (erb-b2 receptor tyrosine kinase 4; minus strand), LANCL1 (LanC like glutathione S-transferase 1; minus strand) and 3 more. Cytogenetic location: 2q34.
Variant type: Deletion.
Identifiers: ClinVar variation 2427041 (VCV002427041.2).